The following is an entry in ClinVar:

NM_014049.5(ACAD9):c.970dup (p.Glu324fs)

Gene: ACAD9 (acyl-CoA dehydrogenase family member 9; plus strand). Cytogenetic location: 3q21.3.
Variant type: Duplication.
Coding change: c.970dup on transcript NM_014049.5 (MANE Select); coding-DNA position 970, one base duplicated (G; older notation c.970dupG).
Protein change: p.Glu324fs; shifts the reading frame from glutamic acid 324.
Molecular consequence: frameshift variant. On other transcripts: non-coding transcript variant (1).
Genome position (GRCh38, 1-based): chr3:128,904,073, G duplicated. VCF-style (leftmost placement, unchanged base first): chr3-128904072-T-TG. GRCh37 (hg19) VCF-style: chr3-128622915-T-TG.
Other names: short protein forms E324fs.
Identifiers: ClinVar variation 1074141 (VCV001074141.8), dbSNP rs2107657717, ClinGen allele CA2499216470.

ClinVar aggregate classification (germline): Pathogenic/Likely pathogenic. Review status: criteria provided, multiple submitters, no conflicts (2 of 4 stars). 2 submissions from 2 submitters: Pathogenic (1); Likely pathogenic (1). Last evaluated 2022-12-07.

Conditions:
Acyl-CoA dehydrogenase 9 deficiency. Also called: Acyl-CoA dehydrogenase family, member 9, deficiency of; MITOCHONDRIAL COMPLEX I DEFICIENCY, NUCLEAR TYPE 20. Identifiers: Orphanet 99901, MedGen C4747517, MONDO:0012624, OMIM 611126.

Allele frequency attached by ClinVar (database versions not stated): gnomAD exomes below 0.00001.

Submissions (2):

Baylor Genetics
Classification: Likely pathogenic for Acyl-CoA dehydrogenase 9 deficiency. Last evaluated: 2022-12-07. Review status: criteria provided, single submitter. Criteria: ACMG Guidelines, 2015. Collection method: clinical testing. Allele origin: unknown.

Labcorp Genetics (formerly Invitae), Labcorp
Classification: Pathogenic. Last evaluated: 2020-07-07. Review status: criteria provided, single submitter. Criteria: Invitae Variant Classification Sherloc (09022015). Collection method: clinical testing. Allele origin: germline.
Comment: For these reasons, this variant has been classified as Pathogenic. Loss-of-function variants in ACAD9 are known to be pathogenic (PMID: 25721401). This variant has not been reported in the literature in individuals with ACAD9-related conditions. This sequence change creates a premature translational stop signal (p.Glu324Glyfs*10) in the ACAD9 gene. It is expected to result in an absent or disrupted protein product. This variant is not present in population databases (ExAC no frequency).

Literature cited by the submitters: PubMed 25721401 (cited by Labcorp Genetics (formerly Invitae), Labcorp).